The following is an entry in ClinVar:

ClinVar aggregate classification (germline): Conflicting classifications of pathogenicity. Review status: criteria provided, conflicting classifications (1 of 4 stars). 2 submissions from 2 submitters: Uncertain significance (1); Likely benign (1). Last evaluated 2025-06-07.

Conditions:
Inborn genetic diseases. Identifiers: MedGen C0950123, MeSH D030342.

Allele frequency attached by ClinVar (database versions not stated): gnomAD exomes 0.00001; gnomAD 0.00002 and 0.00003; ExAC 0.00004; ESP Exome Variant Server 0.00008; 1000 Genomes Project 30x 0.00016; 1000 Genomes Project 0.00020; TOPMed 0.00002.

Submissions (2):

Ambry Genetics
Classification: Likely benign for Inborn genetic diseases. Last evaluated: 2025-06-07. Review status: criteria provided, single submitter. Criteria: Ambry Variant Classification Scheme 2023. Collection method: clinical testing. Allele origin: germline.

Labcorp Genetics (formerly Invitae), Labcorp
Classification: Uncertain significance. Last evaluated: 2021-09-02. Review status: criteria provided, single submitter. Criteria: Invitae Variant Classification Sherloc (09022015). Collection method: clinical testing. Allele origin: germline.
Comment: This sequence change replaces alanine with valine at codon 1145 of the SZT2 protein (p.Ala1145Val). The alanine residue is moderately conserved and there is a small physicochemical difference between alanine and valine. This variant is present in population databases (rs372359421, ExAC 0.05%). This variant has not been reported in the literature in individuals affected with SZT2-related conditions. Algorithms developed to predict the effect of missense changes on protein structure and function output the following: SIFT: "Tolerated"; PolyPhen-2: "Benign"; Align-GVGD: "Class C0". The valine amino acid residue is found in multiple mammalian species, which suggests that this missense change does not adversely affect protein function. In summary, the available evidence is currently insufficient to determine the role of this variant in disease. Therefore, it has been classified as a Variant of Uncertain Significance.

NM_001365999.1(SZT2):c.3605C>T (p.Ala1202Val)

Gene: SZT2 (SZT2 subunit of KICSTOR complex; plus strand). Cytogenetic location: 1p34.2.
Variant type: single nucleotide variant.
Coding change: c.3605C>T on transcript NM_001365999.1 (MANE Select); coding-DNA position 3605, C replaced by T.
Protein change: p.Ala1202Val; replaces alanine 1202 with valine.
Molecular consequence: missense variant.
Genome position (GRCh38, 1-based): chr1:43,427,536, C>T. VCF-style: chr1-43427536-C-T. GRCh37 (hg19) VCF-style: chr1-43893207-C-T.
Other names: c.3434C>T, p.Ala1145Val (NM_015284.4); short protein forms A1145V, A1202V.
Identifiers: ClinVar variation 959925 (VCV000959925.8), dbSNP rs372359421, ClinGen allele CA809049.
Genomic context (GRCh38, chr1:43,427,536, plus strand): 5'-TGGGAGTGGGAAACAGATAGAGCTGGAAGACCACGTGACACCTTTTCTTCACAGACAATG[C>T]CCAGAATCAAGGAGAGCTAAGTCCACCATTCCGTCGAGACTTACAGGCTTACGCTGGGCG-3'
Protein context (NP_001352928.1, residues 1192-1212): VLSVTLASDN[Ala1202Val]QNQGELSPPF